The following is an entry in ClinVar:

ClinVar aggregate classification (germline): Uncertain significance (1 of 4 stars; one submission).

Allele frequency attached by ClinVar (database versions not stated): gnomAD exomes below 0.00001; gnomAD 0.00001; TOPMed 0.00001.
gnomAD v4.1: 4 of 1,613,828 alleles (0.00025%); highest among the groups gnomAD compares: African/African-American, 0.004%; no homozygotes.

Submission:

Labcorp Genetics (formerly Invitae), Labcorp
Classification: Uncertain significance. Last evaluated: 2023-10-16. Review status: criteria provided, single submitter. Criteria: Invitae Variant Classification Sherloc (09022015). Collection method: clinical testing. Allele origin: germline.
Comment: This sequence change replaces aspartic acid, which is acidic and polar, with glycine, which is neutral and non-polar, at codon 2097 of the PCLO protein (p.Asp2097Gly). This variant is present in population databases (no rsID available, gnomAD 0.01%). This variant has not been reported in the literature in individuals affected with PCLO-related conditions. Experimental studies and prediction algorithms are not available or were not evaluated, and the functional significance of this variant is currently unknown. In summary, the available evidence is currently insufficient to determine the role of this variant in disease. Therefore, it has been classified as a Variant of Uncertain Significance.

NM_033026.6(PCLO):c.6290A>G (p.Asp2097Gly)

Gene: PCLO (piccolo presynaptic cytomatrix protein; minus strand). Cytogenetic location: 7q21.11.
Variant type: single nucleotide variant.
Coding change: c.6290A>G on transcript NM_033026.6 (MANE Select); coding-DNA position 6290, A replaced by G.
Protein change: p.Asp2097Gly; replaces aspartic acid 2097 with glycine.
Molecular consequence: missense variant.
Genome position (GRCh38, 1-based): chr7:82,954,663, T>C on the plus strand (A>G on the coding strand, the complement: PCLO is on the minus strand). VCF-style: chr7-82954663-T-C. GRCh37 (hg19) VCF-style: chr7-82583979-T-C.
Other names: c.6290A>G, p.Asp2097Gly (NM_014510.3); short protein forms D2097G.
Identifiers: ClinVar variation 2966357 (VCV002966357.3), dbSNP rs1214051706, ClinGen allele CA367919970.